The following is an entry in ClinVar:

ClinVar aggregate classification (germline): Uncertain significance (0 of 4 stars; one submission).

Conditions:
NRP1-related disorder. Also called: NRP1-related condition.

gnomAD v4.1: 2 of 1,610,242 alleles (0.00012%); highest among the groups gnomAD compares: South Asian, 0.0011%; no homozygotes.

Submission:

PreventionGenetics, part of Exact Sciences
Classification: Uncertain significance for NRP1-related condition. Last evaluated: 2024-06-28. Review status: no assertion criteria provided. Collection method: clinical testing. Allele origin: germline.
Comment: The NRP1 c.409C>T variant is predicted to result in the amino acid substitution p.Arg137Cys. To our knowledge, this variant has not been reported in the literature. This variant is reported in 0.0033% of alleles in individuals of South Asian descent in gnomAD. At this time, the clinical significance of this variant is uncertain due to the absence of conclusive functional and genetic evidence.

NM_003873.7(NRP1):c.409C>T (p.Arg137Cys)

Gene: NRP1 (neuropilin 1; minus strand). Cytogenetic location: 10p11.22.
Variant type: single nucleotide variant.
Coding change: c.409C>T on transcript NM_003873.7 (MANE Select); coding-DNA position 409, C replaced by T.
Protein change: p.Arg137Cys; replaces arginine 137 with cysteine.
Molecular consequence: missense variant.
Genome position (GRCh38, 1-based): chr10:33,270,696, G>A on the plus strand (C>T on the coding strand, the complement: NRP1 is on the minus strand). VCF-style: chr10-33270696-G-A. GRCh37 (hg19) VCF-style: chr10-33559624-G-A.
Other names: c.409C>T, p.Arg137Cys (NM_001024628.3, NM_001024629.3, NM_001244972.2 and 2 more transcripts); short protein forms R137C.
Identifiers: ClinVar variation 3357202 (VCV003357202.1).